The following is an entry in ClinVar:

ClinVar aggregate classification (germline): Likely benign. Review status: criteria provided, multiple submitters, no conflicts (2 of 4 stars). 2 submissions from 2 submitters: Likely benign (2). Last evaluated 2021-05-26.

Allele frequency attached by ClinVar (database versions not stated): gnomAD 0.00495 and 0.00687; TOPMed 0.00544; 1000 Genomes Project 30x 0.02436; 1000 Genomes Project 0.02556.
gnomAD v4.1: 1,034 of 152,160 alleles (0.68%); highest among the groups gnomAD compares: South Asian, 6%; 27 homozygotes.

Submissions (2):

GeneDx
Classification: Likely benign. Last evaluated: 2021-05-26. Review status: criteria provided, single submitter. Criteria: GeneDx Variant Classification Process June 2021. Collection method: clinical testing. Allele origin: germline. Affected: yes.
Comment: See Variant Classification Assertion Criteria.

Breakthrough Genomics
Classification: Likely benign. Review status: criteria provided, single submitter. Criteria: ACMG Guidelines, 2015. Collection method: not provided. Allele origin: germline. Inheritance: Autosomal recessive inheritance. Affected: yes.

NM_001267052.2(UNC45B):c.472-206A>C

Gene: UNC45B (unc-45 myosin chaperone B; plus strand). Cytogenetic location: 17q12.
Variant type: single nucleotide variant.
Coding change: c.472-206A>C on transcript NM_001267052.2 (MANE Select); 206 bases into the intron before coding-DNA position 472, A replaced by C.
Molecular consequence: intron variant.
Genome position (GRCh38, 1-based): chr17:35,154,368, A>C. VCF-style: chr17-35154368-A-C. GRCh37 (hg19) VCF-style: chr17-33481387-A-C.
Other names: c.472-206A>C (NM_001033576.2, NM_173167.3, NM_001308281.1).
Identifiers: ClinVar variation 1686678 (VCV001686678.3), dbSNP rs75021601, ClinGen allele CA290038129.